The following is an entry in ClinVar:

NM_203475.3(PORCN):c.231G>A (p.Leu77=)

Gene: PORCN (porcupine O-acyltransferase; plus strand). Cytogenetic location: Xp11.23.
Variant type: single nucleotide variant.
Coding change: c.231G>A on transcript NM_203475.3 (MANE Select); coding-DNA position 231, G replaced by A.
Protein change: p.Leu77=; no amino-acid change (leucine 77 retained).
Molecular consequence: synonymous variant.
Genome position (GRCh38, 1-based): chrX:48,511,389, G>A. VCF-style: chrX-48511389-G-A. GRCh37 (hg19) VCF-style: chrX-48369777-G-A.
Other names: c.18G>A, p.Leu6= (NM_001282167.2); c.231G>A, p.Leu77= (NM_022825.4, NM_203473.3, NM_203474.1).
Identifiers: ClinVar variation 3056713 (VCV003056713.2), dbSNP rs782240940, ClinGen allele CA10402712.

ClinVar aggregate classification (germline): Likely benign (0 of 4 stars; one submission).

Conditions:
PORCN-related disorder. Also called: PORCN-related condition.

Allele frequency attached by ClinVar (database versions not stated): TOPMed 0.00001; ExAC 0.00002; gnomAD 0.00002; gnomAD exomes 0.00002.

Submission:

PreventionGenetics, part of Exact Sciences
Classification: Likely benign for PORCN-related condition. Last evaluated: 2021-05-19. Review status: no assertion criteria provided. Collection method: clinical testing. Allele origin: germline.
Comment: This variant is classified as likely benign based on ACMG/AMP sequence variant interpretation guidelines (Richards et al. 2015 PMID: 25741868, with internal and published modifications).